The following is an entry in ClinVar:

NM_000044.6(AR):c.1614dup (p.Arg539fs)

Gene: AR (androgen receptor; plus strand). Cytogenetic location: Xq12.
Variant type: Duplication.
Coding change: c.1614dup on transcript NM_000044.6 (MANE Select); coding-DNA position 1614, one base duplicated (G; older notation c.1614dupG).
Protein change: p.Arg539fs; shifts the reading frame from arginine 539.
Molecular consequence: frameshift variant. On other transcripts: 5 prime UTR variant (1).
Genome position (GRCh38, 1-based): chrX:67,546,760, G duplicated. VCF-style (leftmost placement, unchanged base first): chrX-67546759-T-TG. GRCh37 (hg19) VCF-style: chrX-66766601-T-TG.
Other names: c.-170dup (NM_001011645.3); c.1614dup, p.Arg539fs (NM_001348061.1, NM_001348063.1, NM_001348064.1); short protein forms R539fs.
Identifiers: ClinVar variation 578903 (VCV000578903.6), dbSNP rs1569265470, ClinGen allele CA891844007.

ClinVar aggregate classification (germline): Pathogenic (1 of 4 stars; one submission).

Conditions:
Androgen resistance syndrome (AIS). Also called: Androgen insensitivity, complete; DIHYDROTESTOSTERONE RECEPTOR DEFICIENCY; Androgen insensitivity syndrome due to coactivator deficiency; Androgen insensitivity; TESTICULAR FEMINIZATION SYNDROME; ANDROGEN RECEPTOR DEFICIENCY. Identifiers: Orphanet 754, Orphanet 99429, MedGen C0039585, MONDO:0019154, OMIM 300068. Disease mechanism: loss of function.
Kennedy disease (SMAX1). Also called: KENNEDY SPINAL AND BULBAR MUSCULAR ATROPHY; SPINAL AND BULBAR MUSCULAR ATROPHY, X-LINKED 1; Spinal and Bulbar Muscular Atrophy. Identifiers: Orphanet 481, MedGen C1839259, MONDO:0010735, OMIM 313200.

Submission:

Labcorp Genetics (formerly Invitae), Labcorp
Classification: Pathogenic for Kennedy disease; Androgen resistance syndrome. Last evaluated: 2018-03-21. Review status: criteria provided, single submitter. Criteria: Invitae Variant Classification Sherloc (09022015). Collection method: clinical testing. Allele origin: germline.
Comment: This variant is not present in population databases (ExAC no frequency). This variant has not been reported in the literature in individuals with AR-related disease. This sequence change creates a premature translational stop signal (p.Arg539Alafs*13) in the AR gene. It is expected to result in an absent or disrupted protein product. For these reasons, this variant has been classified as Pathogenic. Loss-of-function variants in AR are known to be pathogenic (PMID: 19463997).

Literature cited by the submitters: PubMed 19463997.